The following is an entry in ClinVar:

ClinVar aggregate classification (germline): Uncertain significance (1 of 4 stars; one submission).

Conditions:
Hereditary spastic paraplegia 39 (SPG39). Also called: Spastic Paraplegia Type 39 (SPG39); SPASTIC PARAPLEGIA 39, AUTOSOMAL RECESSIVE. Identifiers: Orphanet 139480, MedGen C2677586, MONDO:0012787, OMIM 612020.

Submission:

Labcorp Genetics (formerly Invitae), Labcorp
Classification: Uncertain significance for Hereditary spastic paraplegia 39. Last evaluated: 2022-02-23. Review status: criteria provided, single submitter. Criteria: Invitae Variant Classification Sherloc (09022015). Collection method: clinical testing. Allele origin: germline.
Comment: Algorithms developed to predict the effect of missense changes on protein structure and function (SIFT, PolyPhen-2, Align-GVGD) all suggest that this variant is likely to be tolerated. This sequence change replaces methionine, which is neutral and non-polar, with leucine, which is neutral and non-polar, at codon 373 of the PNPLA6 protein (p.Met373Leu). This variant is not present in population databases (gnomAD no frequency). This variant has not been reported in the literature in individuals affected with PNPLA6-related conditions. In summary, the available evidence is currently insufficient to determine the role of this variant in disease. Therefore, it has been classified as a Variant of Uncertain Significance.

NM_001166114.2(PNPLA6):c.1234A>C (p.Met412Leu)

Gene: PNPLA6 (patatin like domain 6, lysophospholipase; plus strand). Cytogenetic location: 19p13.2.
Variant type: single nucleotide variant.
Coding change: c.1234A>C on transcript NM_001166114.2 (MANE Select); coding-DNA position 1234, A replaced by C.
Protein change: p.Met412Leu; replaces methionine 412 with leucine.
Molecular consequence: missense variant.
Genome position (GRCh38, 1-based): chr19:7,542,049, A>C. VCF-style: chr19-7542049-A-C. GRCh37 (hg19) VCF-style: chr19-7606935-A-C.
Other names: c.1261A>C, p.Met421Leu (NM_001166111.2); c.1117A>C, p.Met373Leu (NM_001166112.2, NM_001166113.1, NM_006702.5); short protein forms M373L, M412L, M421L.
Identifiers: ClinVar variation 2088351 (VCV002088351.4), dbSNP rs1182861534, ClinGen allele CA403110588.
Genomic context (GRCh38, chr19:7,542,049, plus strand): 5'-CCTGTGAAGCCCACATCCCTGGAAACCCCCTCGGCCCCTCTGCTGAGCCGCTGCGTCTCC[A>C]TGCCAGGGGACATCTCAGGTTTGGAGCACTGGGTCTGCGGGGAGGGCCATGGAGCTTCCA-3'
Protein context (NP_001159586.1, residues 402-422): SAPLLSRCVS[Met412Leu]PGDISGLQGG